The following is an entry in ClinVar:

NM_001035.3(RYR2):c.12347A>G (p.Gln4116Arg)

Gene: RYR2 (ryanodine receptor 2; plus strand). Cytogenetic location: 1q43.
Variant type: single nucleotide variant.
Coding change: c.12347A>G on transcript NM_001035.3 (MANE Select); coding-DNA position 12347, A replaced by G.
Protein change: p.Gln4116Arg; replaces glutamine 4116 with arginine.
Molecular consequence: missense variant.
Genome position (GRCh38, 1-based): chr1:237,784,059, A>G. VCF-style: chr1-237784059-A-G. GRCh37 (hg19) VCF-style: chr1-237947359-A-G.
Other names: short protein forms Q4116R.
Identifiers: ClinVar variation 3075001 (VCV003075001.1), dbSNP rs1191239112, ClinGen allele CA345413019.

ClinVar aggregate classification (germline): Uncertain significance (1 of 4 stars; one submission).

Conditions:
Catecholaminergic polymorphic ventricular tachycardia (CVPT). Also called: Catecholamine-induced polymorphic ventricular tachycardia. Identifiers: Orphanet 3286, MedGen C5574922, MONDO:0017990.

Allele frequency attached by ClinVar (database versions not stated): gnomAD exomes below 0.00001.
gnomAD v4.1: 2 of 1,614,038 alleles (0.00012%); highest among the groups gnomAD compares: Middle Eastern, 0.016%; no homozygotes.

Submission:

All of Us Research Program, National Institutes of Health
Classification: Uncertain significance for Catecholaminergic polymorphic ventricular tachycardia. Last evaluated: 2024-01-11. Review status: criteria provided, single submitter. Criteria: ACMG Guidelines, 2015. Collection method: clinical testing. Allele origin: germline. Inheritance: Autosomal dominant inheritance. Observed: 1 variant allele, 1 heterozygote.
Comment: This study involves interpretation of variants in research participants for the purpose of population health screening. Participant phenotype was not available at the time of variant classification. Additional details can be found in publication PMID: 35346344, PMCID: PMC8962531